The following is an entry in ClinVar:

NM_001122769.3(LCA5):c.1016T>C (p.Phe339Ser)

Gene: LCA5 (lebercilin LCA5; minus strand). Cytogenetic location: 6q14.1.
Variant type: single nucleotide variant.
Coding change: c.1016T>C on transcript NM_001122769.3 (MANE Select); coding-DNA position 1016, T replaced by C.
Protein change: p.Phe339Ser; replaces phenylalanine 339 with serine.
Molecular consequence: missense variant.
Genome position (GRCh38, 1-based): chr6:79,491,670, A>G on the plus strand (T>C on the coding strand, the complement: LCA5 is on the minus strand). VCF-style: chr6-79491670-A-G. GRCh37 (hg19) VCF-style: chr6-80201387-A-G.
Other names: c.1016T>C, p.Phe339Ser (NM_181714.4); short protein forms F339S.
Identifiers: ClinVar variation 844939 (VCV000844939.7), dbSNP rs771402955, ClinGen allele CA3900958.

ClinVar aggregate classification (germline): Uncertain significance. Review status: criteria provided, single submitter (1 of 4 stars). 2 submissions from 2 submitters: Uncertain significance (1). 1 of the submissions does not count toward it. Last evaluated 2022-07-16.

Conditions:
Leber congenital amaurosis 5 (LCA5). Also called: Amaurosis congenita of Leber, type 5. Identifiers: Orphanet 65, MedGen C1858301, MONDO:0011473, OMIM 604537.

Allele frequency attached by ClinVar (database versions not stated): gnomAD 0.00001; ExAC 0.00003; gnomAD exomes 0.00003 and 0.00006; TOPMed 0.00006.
gnomAD v4.1: 17 of 1,613,046 alleles (0.0011%); highest among the groups gnomAD compares: Admixed American, 0.027%; no homozygotes.

Submissions (2):

Labcorp Genetics (formerly Invitae), Labcorp
Classification: Uncertain significance. Last evaluated: 2022-07-16. Review status: criteria provided, single submitter. Criteria: Invitae Variant Classification Sherloc (09022015). Collection method: clinical testing. Allele origin: germline.
Comment: This sequence change replaces phenylalanine, which is neutral and non-polar, with serine, which is neutral and polar, at codon 339 of the LCA5 protein (p.Phe339Ser). This variant is present in population databases (rs771402955, gnomAD 0.04%). This variant has not been reported in the literature in individuals affected with LCA5-related conditions. ClinVar contains an entry for this variant (Variation ID: 844939). Algorithms developed to predict the effect of missense changes on protein structure and function output the following: SIFT: "Deleterious"; PolyPhen-2: "Benign"; Align-GVGD: "Class C0". The serine amino acid residue is found in multiple mammalian species, which suggests that this missense change does not adversely affect protein function. In summary, the available evidence is currently insufficient to determine the role of this variant in disease. Therefore, it has been classified as a Variant of Uncertain Significance.

Natera, Inc.
Classification: Uncertain significance for Leber congenital amaurosis type 5. Last evaluated: 2021-09-17. Review status: no assertion criteria provided. Collection method: clinical testing. Allele origin: germline. Not counted in ClinVar's aggregate classification.